The following is an entry in ClinVar:

NM_001374385.1(ATP8B1):c.1371G>A (p.Gly457=)

Gene: ATP8B1 (ATPase phospholipid transporting 8B1; minus strand). Cytogenetic location: 18q21.31.
Variant type: single nucleotide variant.
Coding change: c.1371G>A on transcript NM_001374385.1 (MANE Select); coding-DNA position 1371, G replaced by A.
Protein change: p.Gly457=; no amino-acid change (glycine 457 retained).
Molecular consequence: synonymous variant.
Genome position (GRCh38, 1-based): chr18:57,688,357, C>T on the plus strand (G>A on the coding strand, the complement: ATP8B1 is on the minus strand). VCF-style: chr18-57688357-C-T. GRCh37 (hg19) VCF-style: chr18-55355589-C-T.
Other names: c.1221G>A, p.Gly407= (NM_001374386.1); c.1371G>A, p.Gly457= (NM_005603.6).
Identifiers: ClinVar variation 4846121 (VCV004846121.1).
Genomic context (GRCh38, chr18:57,688,357, plus strand): 5'-ACCATATATCTGCCCGTTGATACAGCACTTTTTAAAGGTCATGATATTTTGTGTGAGTGT[C>T]CCCGTCTTATCAGAGAAGATATAATGGATCTGCCCGAGCTGTTCATTGAGTGTGGTGGTT-3'
Protein context (NP_001361314.1, residues 447-467): QIHYIFSDKT[Gly457=]TLTQNIMTFK

ClinVar aggregate classification (germline): Likely benign (1 of 4 stars; one submission).

Conditions:
Familial intrahepatic cholestasis. Identifiers: Orphanet 284385, MedGen CN296401, MONDO:0017290.

Submission:

Genomenon, Inc
Classification: Likely benign for Familial intrahepatic cholestasis. Last evaluated: 2026-04-14. Review status: criteria provided, single submitter. Criteria: Genomenon Sequence Variant Interpretation Standards - Updated. Collection method: curation. Allele origin: germline. Affected: yes.
Comment: ATP8B1 c.1371G>A is a synonymous variant that retains Glycine at residue 457. This variant has been observed in at least one proband with features of ATP8B1-deficiency (PMID:15239083). It is absent or not present at a significant frequency in gnomAD. This synonymous variant is not predicted to impact splicing. In conclusion, we classify ATP8B1 p.Gly457= (c.1371G>A) as a likely benign variant.

Literature cited by the submitters: PubMed 15239083.